The following is an entry in ClinVar:

ClinVar aggregate classification (germline): Pathogenic (1 of 4 stars; one submission).

Submission:

CeGaT Center for Human Genetics Tuebingen
Classification: Pathogenic. Last evaluated: 2024-12-01. Review status: criteria provided, single submitter. Criteria: CeGaT Center For Human Genetics Tuebingen Variant Classification Criteria Version 2. Collection method: clinical testing. Allele origin: germline. Affected: yes. Observed: 1 variant allele.
Comment: DNMT3A: PVS1, PM2

NM_022552.5(DNMT3A):c.1028del (p.Lys343fs)

Gene: DNMT3A (DNA methyltransferase 3 alpha; minus strand). Cytogenetic location: 2p23.3.
Variant type: Deletion.
Coding change: c.1028del on transcript NM_022552.5 (MANE Select); coding-DNA position 1028, one base deleted (A; older notation c.1028delA).
Protein change: p.Lys343fs; shifts the reading frame from lysine 343.
Molecular consequence: frameshift variant. On other transcripts: non-coding transcript variant (1).
Genome position (GRCh38, 1-based): chr2:25,247,145, T deleted on the plus strand (A on the coding strand, the reverse complement: DNMT3A is on the minus strand); the first of 2 consecutive T bases (chr2:25,247,145-25,247,146); deleting either gives the same sequence. VCF-style (leftmost placement, unchanged base first): chr2-25247144-CT-C. GRCh37 (hg19) VCF-style: chr2-25470013-CT-C.
Other names: c.572del, p.Lys191fs (NM_001320893.1); c.359del, p.Lys120fs (NM_001375819.1); c.461del, p.Lys154fs (NM_153759.3); c.1028del, p.Lys343fs (NM_175629.2); short protein forms K120fs, K154fs, K191fs, K343fs.
Identifiers: ClinVar variation 3772156 (VCV003772156.13).